The following is an entry in ClinVar:

ClinVar aggregate classification (germline): Benign/Likely benign. Review status: criteria provided, multiple submitters, no conflicts (2 of 4 stars). 7 submissions from 7 submitters: Benign (2); Likely benign (4). 1 of the submissions does not count toward it. Last evaluated 2026-01-28.

Conditions:
CDAN1-related disorder. Also called: CDAN1-related condition.
Congenital dyserythropoietic anemia, type I. Also called: Dyserythropoietic anemia, congenital type 1. Identifiers: Orphanet 98869, MedGen C0271933, MONDO:0020337. Disease mechanism: loss of function.
Anemia, congenital dyserythropoietic, type 1a (CDAN1A). Also called: DYSERYTHROPOIETIC ANEMIA, CONGENITAL, TYPE Ia; CDAN1-Related Congenital Dyserythropoietic Anemia. Identifiers: MedGen C5574667, MONDO:0009135, OMIM 224120.

Allele frequency attached by ClinVar (database versions not stated): gnomAD exomes 0.00052 and 0.00076; ExAC 0.00097; gnomAD 0.00273 and 0.00288; ESP Exome Variant Server 0.00277; TOPMed 0.00297; 1000 Genomes Project 0.00379; 1000 Genomes Project 30x 0.00406.
gnomAD v4.1: 1,191 of 1,613,558 alleles (0.074%); highest among the groups gnomAD compares: African/African-American, 1%; 4 homozygotes.

Submissions (7):

Labcorp Genetics (formerly Invitae), Labcorp
Classification: Benign. Last evaluated: 2026-01-28. Review status: criteria provided, single submitter. Criteria: Invitae Variant Classification Sherloc (09022015). Collection method: clinical testing. Allele origin: germline.

ARUP Laboratories, Molecular Genetics and Genomics, ARUP Laboratories
Classification: Benign for Anemia, congenital dyserythropoietic, type 1a. Last evaluated: 2025-07-25. Review status: criteria provided, single submitter. Criteria: ARUP Molecular Germline Variant Investigation Process 2024. Collection method: clinical testing. Allele origin: germline.

Mayo Clinic Laboratories, Mayo Clinic
Classification: Likely benign. Last evaluated: 2025-03-18. Review status: criteria provided, single submitter. Criteria: ACMG Guidelines, 2015. Collection method: clinical testing. Allele origin: germline. Observed: 9 variant alleles.
Comment: BP4, BP7

Blueprint Genetics
Classification: Likely benign. Last evaluated: 2024-10-07. Review status: criteria provided, single submitter. Criteria: ACMG Guidelines, 2015. Collection method: clinical testing. Allele origin: germline.

Illumina Laboratory Services, Illumina
Classification: Likely benign for Anemia, congenital dyserythropoietic, type 1a. Last evaluated: 2018-01-12. Review status: criteria provided, single submitter. Criteria: ICSL Variant Classification Criteria 13 December 2019. Collection method: clinical testing. Allele origin: germline.
Comment: This variant was observed in the ICSL laboratory as part of a predisposition screen in an ostensibly healthy population. It had not been previously curated by ICSL or reported in the Human Gene Mutation Database (HGMD: prior to June 1st, 2018), and was therefore a candidate for classification through an automated scoring system. Utilizing variant allele frequency, disease prevalence and penetrance estimates, and inheritance mode, an automated score was calculated to assess if this variant is too frequent to cause the disease. Based on the score and internal cut-off values, a variant classified as likely benign is not then subjected to further curation. The score for this variant resulted in a classification of likely benign for this disease.

Breakthrough Genomics
Classification: Likely benign. Review status: criteria provided, single submitter. Criteria: ACMG Guidelines, 2015. Collection method: not provided. Allele origin: germline. Inheritance: Autosomal recessive inheritance. Affected: yes.

PreventionGenetics, part of Exact Sciences
Classification: Benign for CDAN1-related condition. Last evaluated: 2020-04-14. Review status: no assertion criteria provided. Collection method: clinical testing. Allele origin: germline. Not counted in ClinVar's aggregate classification.
Comment: This variant is classified as benign based on ACMG/AMP sequence variant interpretation guidelines (Richards et al. 2015 PMID: 25741868, with internal and published modifications).

NM_138477.4(CDAN1):c.2067G>A (p.Ala689=)

Gene: CDAN1 (codanin 1; minus strand). Cytogenetic location: 15q15.2.
Variant type: single nucleotide variant.
Coding change: c.2067G>A on transcript NM_138477.4 (MANE Select); coding-DNA position 2067, G replaced by A.
Protein change: p.Ala689=; no amino-acid change (alanine 689 retained).
Molecular consequence: synonymous variant.
Genome position (GRCh38, 1-based): chr15:42,730,705, C>T on the plus strand (G>A on the coding strand, the complement: CDAN1 is on the minus strand). VCF-style: chr15-42730705-C-T. GRCh37 (hg19) VCF-style: chr15-43022903-C-T.
Other names: p.Ala689=.
Identifiers: ClinVar variation 776880 (VCV000776880.26), dbSNP rs147161012, ClinGen allele CA7515827.